The following is an entry in ClinVar:

ClinVar aggregate classification (germline): Conflicting classifications of pathogenicity. Review status: criteria provided, conflicting classifications (1 of 4 stars). 5 submissions from 5 submitters: Pathogenic (1); Likely pathogenic (3); Uncertain significance (1). Last evaluated 2026-05-12.

Conditions:
Hereditary cancer-predisposing syndrome. Also called: Neoplastic Syndromes, Hereditary; Hereditary neoplastic syndrome; Tumor predisposition; Hereditary Cancer Syndrome. Identifiers: Orphanet 140162, MedGen C0027672, MeSH D009386, MONDO:0015356.
Gastric adenocarcinoma and proximal polyposis of the stomach (GAPPS). Also called: Polyposis, gastric, Dos Santos and de Magalhaes 1980; Gastric Adenocarcinoma and Proximal Polyposis of the Stomach (GAPPS); POLYPOSIS, GASTRIC. Identifiers: Orphanet 314022, MedGen C4749917, MONDO:0017790, OMIM 619182.
Classic or attenuated familial adenomatous polyposis. Identifiers: MedGen CN372698, MONDO:0021057.
Familial adenomatous polyposis 1 (FAP1). Also called: FAMILIAL ADENOMATOUS POLYPOSIS 1, ATTENUATED; POLYPOSIS, ADENOMATOUS INTESTINAL. Identifiers: MedGen C2713442, MONDO:0021056, OMIM 175100. Disease mechanism: loss of function.

Submissions (5):

Department of Clinical Genetics, Copenhagen University Hospital, Rigshospitalet
Classification: Likely pathogenic for Gastric adenocarcinoma and proximal polyposis of the stomach. Last evaluated: 2026-05-12. Review status: criteria provided, single submitter. Criteria: ACMG Guidelines, 2015. Collection method: clinical testing. Allele origin: germline.
Comment: The following ACMG criteria has been used: PM2_SUP (not reported in gnomAD v.4.1); The variant co-segregates with disease (PMID: 27087319) PP1_MOD; Functional data has shown that this variant affects APC gene expression (PMID: 27087319) (PS3)

Labcorp Genetics (formerly Invitae), Labcorp
Classification: Uncertain significance for Familial adenomatous polyposis 1. Last evaluated: 2025-12-21. Review status: criteria provided, single submitter. Criteria: Invitae Variant Classification Sherloc (09022015). Collection method: clinical testing. Allele origin: germline.
Comment: This variant occurs in a non-coding region of the APC gene. It does not change the encoded amino acid sequence of the APC protein. This variant is not present in population databases (gnomAD no frequency). This variant has been observed in individual(s) with gastric adenocarcinoma and proximal polyposis of the stomach (PMID: 27087319). It has also been observed to segregate with disease in related individuals. Studies have shown that this variant alters APC gene expression (PMID: 27087319). In summary, the available evidence is currently insufficient to determine the role of this variant in disease. Therefore, it has been classified as a Variant of Uncertain Significance.

Clinical Genetics Laboratory, Skane University Hospital Lund
Classification: Likely pathogenic for Gastric adenocarcinoma and proximal polyposis of the stomach. Last evaluated: 2025-10-31. Review status: criteria provided, single submitter. Criteria: ACMG Guidelines, 2015. Collection method: clinical testing. Allele origin: germline. Inheritance: Autosomal dominant inheritance. Affected: yes.
Comment: ACMG criteria: PS3, PM2, PP1_moderate

Ambry Genetics
Classification: Pathogenic for Hereditary cancer-predisposing syndrome. Last evaluated: 2020-01-02. Review status: criteria provided, single submitter. Criteria: Ambry Variant Classification Scheme 2023. Collection method: clinical testing. Allele origin: germline.
Comment: The c.-195A>C pathogenic mutation is located in the 5' untranslated region (5&rsquo; UTR) of the APC gene. This mutation results from an A to C substitution 195 bases upstream from the first translated codon. This alteration has been described in a large family with clinical gastric adenocarcinoma and proximal polyposis of the stomach (GAPPS) and completely segregated with disease in all 27 affected family members tested (Li J et al. Am. J. Hum. Genet. 2016 May;98:830-42). The alteration impacts a highly-conserved nucleotide within the YY1 binding motif of APC promoter 1B, and authors demonstrated disrupted protein binding associated with c.-195A>C. Furthermore, luciferase assay results showed significantly reduced promoter activity for this variant compared to wild type and APC allelic imbalance was observed in blood and GI tissue from affected individuals, supporting reduced in vivo expression from this allele. Based on the supporting evidence, this alteration is interpreted as a disease-causing mutation.

Department of Pathology and Laboratory Medicine, Sinai Health System
Classification: Likely pathogenic for classic or attenuated familial adenomatous polyposis. Review status: criteria provided, single submitter. Criteria: ACMG Guidelines, 2015. Collection method: clinical testing. Allele origin: germline.

Literature cited by the submitters: PubMed 27087319 (cited by 3 submitters).

NM_001127511.3(APC):c.-195A>C

Genes: APC (APC regulator of Wnt signaling pathway; plus strand), LOC129994371 (ATAC-STARR-seq lymphoblastoid active region 22910; plus strand). Cytogenetic location: 5q22.2.
Variant type: single nucleotide variant.
Coding change: c.-195A>C on transcript NM_001127511.3; 195 bases upstream of the start codon, A replaced by C.
Molecular consequence: 5 prime UTR variant. On other transcripts: non-coding transcript variant (2).
Genome position (GRCh38, 1-based): chr5:112,707,523, A>C. VCF-style: chr5-112707523-A-C. GRCh37 (hg19) VCF-style: chr5-112043220-A-C.
Other names: c.-378A>C (NM_001354895.2, NM_001407447.1, NM_001407452.1 and 3 more transcripts); c.-195A>C (NM_001354897.2, NM_001354902.2, NM_001407446.1); c.-145A>C (NM_001407448.1, NM_001407450.1, NM_001407457.1 and 1 more transcripts); c.-169A>C (NM_001407453.1); c.-1413A>C (NM_001407470.1, NM_001407472.1).
Identifiers: ClinVar variation 264670 (VCV000264670.7), dbSNP rs879253782, ClinGen allele CA10584059.